The following is an entry in ClinVar:

ClinVar aggregate classification (germline): Uncertain significance (1 of 4 stars; one submission).

Conditions:
Inborn genetic diseases. Identifiers: MedGen C0950123, MeSH D030342.

Submission:

Ambry Genetics
Classification: Uncertain significance for Inborn genetic diseases. Last evaluated: 2025-05-19. Review status: criteria provided, single submitter. Criteria: Ambry Variant Classification Scheme 2023. Collection method: clinical testing. Allele origin: germline.
Comment: The p.S723Y variant (also known as c.2168C>A), located in coding exon 13 of the ASXL1 gene, results from a C to A substitution at nucleotide position 2168. The serine at codon 723 is replaced by tyrosine, an amino acid with dissimilar properties. This amino acid position is conserved. In addition, this alteration is predicted to be tolerated by in silico analysis. Based on the available evidence, the clinical significance of this variant remains unclear.

NM_015338.6(ASXL1):c.2168C>A (p.Ser723Tyr)

Gene: ASXL1 (ASXL transcriptional regulator 1; plus strand). Cytogenetic location: 20q11.21.
Variant type: single nucleotide variant.
Coding change: c.2168C>A on transcript NM_015338.6 (MANE Select); coding-DNA position 2168, C replaced by A.
Protein change: p.Ser723Tyr; replaces serine 723 with tyrosine.
Molecular consequence: missense variant.
Genome position (GRCh38, 1-based): chr20:32,434,880, C>A. VCF-style: chr20-32434880-C-A. GRCh37 (hg19) VCF-style: chr20-31022683-C-A.
Other names: c.1985C>A, p.Ser662Tyr (NM_001363734.1); short protein forms S723Y, S662Y.
Identifiers: ClinVar variation 3957107 (VCV003957107.1).